The following is an entry in ClinVar:

ClinVar aggregate classification (germline): Benign. Review status: criteria provided, multiple submitters, no conflicts (2 of 4 stars). 3 submissions from 3 submitters: Benign (3). Last evaluated 2026-01-12.

Conditions:
Monogenic diabetes. Identifiers: Orphanet 183625, MedGen C3888631, MONDO:0015967.
Fanconi-Bickel syndrome (FBS). Also called: FANCONI SYNDROME WITH INTESTINAL MALABSORPTION AND GALACTOSE INTOLERANCE; HEPATIC GLYCOGENOSIS WITH AMINO ACIDURIA AND GLUCOSURIA; HEPATIC GLYCOGENOSIS WITH FANCONI NEPHROPATHY; HEPATORENAL GLYCOGENOSIS WITH RENAL FANCONI SYNDROME; Glycogen storage disease due to GLUT2 deficiency; PSEUDO-PHLORIZIN DIABETES. Identifiers: Orphanet 2088, MedGen C3495427, MONDO:0009216, OMIM 227810.

Allele frequency attached by ClinVar (database versions not stated): gnomAD 0.00052 and 0.00073; gnomAD exomes 0.00059 and 0.00198; TOPMed 0.00088; ExAC 0.00178; 1000 Genomes Project 30x 0.00375; 1000 Genomes Project 0.00459.
gnomAD v4.1: 974 of 1,613,066 alleles (0.06%); highest among the groups gnomAD compares: East Asian, 2.1%; 12 homozygotes.

Submissions (3):

Labcorp Genetics (formerly Invitae), Labcorp
Classification: Benign for Fanconi-Bickel syndrome. Last evaluated: 2026-01-12. Review status: criteria provided, single submitter. Criteria: Invitae Variant Classification Sherloc (09022015). Collection method: clinical testing. Allele origin: germline.

Illumina Laboratory Services, Illumina
Classification: Benign for Fanconi-Bickel syndrome. Last evaluated: 2018-01-13. Review status: criteria provided, single submitter. Criteria: ICSL Variant Classification Criteria 13 December 2019. Collection method: clinical testing. Allele origin: germline.
Comment: This variant was observed in the ICSL laboratory as part of a predisposition screen in an ostensibly healthy population. It had not been previously curated by ICSL or reported in the Human Gene Mutation Database (HGMD: prior to June 1st, 2018), and was therefore a candidate for classification through an automated scoring system. Utilizing variant allele frequency, disease prevalence and penetrance estimates, and inheritance mode, an automated score was calculated to assess if this variant is too frequent to cause the disease. Based on the score and internal cut-off values, a variant classified as benign is not then subjected to further curation. The score for this variant resulted in a classification of benign for this disease.

Personalized Diabetes Medicine Program, University of Maryland School of Medicine
Classification: Benign for Monogenic diabetes. Last evaluated: 2017-04-07. Review status: criteria provided, single submitter. Criteria: ACMG Guidelines, 2015. Collection method: research. Allele origin: unknown. Observed: 1 variant allele, 1 homozygote. Study: Personalized Diabetes Medicine Program.
Comment: ACMG Criteria:PP3 (4 predictors), BP4 (7 predictors), BS2 (59 cases and 61 controls in an online resource), BS1 (2.28% in East Asian and one homozygote in ExAC East Asian), BP5(alternate cause identified)

NM_000340.2(SLC2A2):c.1556G>A (p.Gly519Glu)

Gene: SLC2A2 (solute carrier family 2 member 2; minus strand). Cytogenetic location: 3q26.2.
Variant type: single nucleotide variant.
Coding change: c.1556G>A on transcript NM_000340.2 (MANE Select); coding-DNA position 1556, G replaced by A.
Protein change: p.Gly519Glu; replaces glycine 519 with glutamic acid.
Molecular consequence: missense variant.
Genome position (GRCh38, 1-based): chr3:170,997,922, C>T on the plus strand (G>A on the coding strand, the complement: SLC2A2 is on the minus strand). VCF-style: chr3-170997922-C-T. GRCh37 (hg19) VCF-style: chr3-170715711-C-T.
Other names: c.1199G>A, p.Gly400Glu (NM_001278658.2); c.1037G>A, p.Gly346Glu (NM_001278659.2); short protein forms G519E, G400E, G346E.
Identifiers: ClinVar variation 549510 (VCV000549510.16), dbSNP rs147959014, ClinGen allele CA2702378.